The following is an entry in ClinVar:

ClinVar aggregate classification (germline): Uncertain significance (1 of 4 stars; one submission).

Submission:

Women's Health and Genetics/Laboratory Corporation of America, LabCorp
Classification: Uncertain significance. Last evaluated: 2025-12-23. Review status: criteria provided, single submitter. Criteria: LabCorp Variant Classification Summary - May 2015. Collection method: clinical testing. Allele origin: germline.
Comment: Variant summary: NCAPD2 c.3288T>A (p.His1096Gln) results in a non-conservative amino acid change in the encoded protein sequence. Algorithms developed to predict the effect of missense changes on protein structure and function are either unavailable or do not agree on the potential impact of this missense change. The variant was absent in 245888 control chromosomes. The available data on variant occurrences in the general population are insufficient to allow any conclusion about variant significance. To our knowledge, no occurrence of c.3288T>A in individuals affected with NCAPD2-related conditions and no experimental evidence demonstrating its impact on protein function have been reported. No submitters have cited clinical-significance assessments for this variant to ClinVar. Based on the evidence outlined above, the variant was classified as uncertain significance.

NM_014865.4(NCAPD2):c.3288T>A (p.His1096Gln)

Gene: NCAPD2 (non-SMC condensin I complex subunit D2; plus strand). Cytogenetic location: 12p13.31.
Variant type: single nucleotide variant.
Coding change: c.3288T>A on transcript NM_014865.4 (MANE Select); coding-DNA position 3288, T replaced by A.
Protein change: p.His1096Gln; replaces histidine 1096 with glutamine.
Molecular consequence: missense variant.
Genome position (GRCh38, 1-based): chr12:6,528,317, T>A. VCF-style: chr12-6528317-T-A. GRCh37 (hg19) VCF-style: chr12-6637483-T-A.
Other names: short protein forms H1096Q.
Identifiers: ClinVar variation 4688870 (VCV004688870.1).